The following is an entry in ClinVar:

NM_018896.5(CACNA1G):c.3751C>G (p.Arg1251Gly)

Gene: CACNA1G (calcium voltage-gated channel subunit alpha1 G; plus strand). Cytogenetic location: 17q21.33.
Variant type: single nucleotide variant.
Coding change: c.3751C>G on transcript NM_018896.5 (MANE Select); coding-DNA position 3751, C replaced by G.
Protein change: p.Arg1251Gly; replaces arginine 1251 with glycine.
Molecular consequence: missense variant. On other transcripts: non-coding transcript variant (5).
Genome position (GRCh38, 1-based): chr17:50,600,786, C>G. VCF-style: chr17-50600786-C-G. GRCh37 (hg19) VCF-style: chr17-48678147-C-G.
Other names: c.3682C>G, p.Arg1228Gly (NM_198383.3, NM_198387.3, NM_198388.3 and 5 more transcripts); c.3751C>G, p.Arg1251Gly (NM_198384.3, NM_198385.3, NM_198386.3 and 16 more transcripts); short protein forms R1228G, R1251G.
Identifiers: ClinVar variation 3340999 (VCV003340999.2).
Genomic context (GRCh38, chr17:50,600,786, plus strand): 5'-AGCAAAGGGGAACGGGTCCGCGCGTGGATCCGAGCCCGACTCCCTGCCTGCTGCCTCGAG[C>G]GAGACTCCTGGTCAGCCTACATCTTCCCTCCTCAGTCCAGGTAAGTGACAGGGCAGGGGT-3'
Protein context (NP_061496.2, residues 1241-1261): RARLPACCLE[Arg1251Gly]DSWSAYIFPP

ClinVar aggregate classification (germline): Uncertain significance (1 of 4 stars; one submission).

Submission:

GeneDx
Classification: Uncertain significance. Last evaluated: 2026-01-08. Review status: criteria provided, single submitter. Criteria: GeneDx Variant Classification Process June 2021. Collection method: clinical testing. Allele origin: germline.
Comment: Not observed at significant frequency in large population cohorts (gnomAD); In silico analysis supports that this missense variant has a deleterious effect on protein structure/function; Has not been previously published as pathogenic or benign to our knowledge